The following is an entry in ClinVar:

NM_001172509.2(SATB2):c.2182G>C (p.Ala728Pro)

Genes: SATB2 (SATB homeobox 2; minus strand), LOC126806462 (MED14-independent group 3 enhancer GRCh37_chr2:200136608-200137807; plus strand). Cytogenetic location: 2q33.1.
Variant type: single nucleotide variant.
Coding change: c.2182G>C on transcript NM_001172509.2 (MANE Select); coding-DNA position 2182, G replaced by C.
Protein change: p.Ala728Pro; replaces alanine 728 with proline.
Molecular consequence: missense variant.
Genome position (GRCh38, 1-based): chr2:199,272,231, C>G on the plus strand (G>C on the coding strand, the complement: SATB2 is on the minus strand). VCF-style: chr2-199272231-C-G. GRCh37 (hg19) VCF-style: chr2-200136954-C-G.
Other names: c.2182G>C, p.Ala728Pro (NM_001172517.1, NM_015265.4); short protein forms A728P.
Identifiers: ClinVar variation 1023416 (VCV001023416.9), dbSNP rs377368865, ClinGen allele CA2045743.

ClinVar aggregate classification (germline): Uncertain significance (1 of 4 stars; one submission).

Conditions:
Chromosome 2q32-q33 deletion syndrome (GLASS). Also called: Glass syndrome; 2q33.1 deletion syndrome. Identifiers: Orphanet 251019, MedGen C2676739, MONDO:0012864, OMIM 612313.

Allele frequency attached by ClinVar (database versions not stated): ExAC 0.00001; TOPMed 0.00002; gnomAD 0.00003; ESP Exome Variant Server 0.00008; 1000 Genomes Project 30x 0.00016; 1000 Genomes Project 0.00020.
gnomAD v4.1: 7 of 1,614,130 alleles (0.00043%); highest among the groups gnomAD compares: African/African-American, 0.008%; no homozygotes.

Submission:

Labcorp Genetics (formerly Invitae), Labcorp
Classification: Uncertain significance for Chromosome 2q32-q33 deletion syndrome. Last evaluated: 2022-03-12. Review status: criteria provided, single submitter. Criteria: Invitae Variant Classification Sherloc (09022015). Collection method: clinical testing. Allele origin: germline.
Comment: This sequence change replaces alanine, which is neutral and non-polar, with proline, which is neutral and non-polar, at codon 728 of the SATB2 protein (p.Ala728Pro). This variant is present in population databases (rs377368865, gnomAD 0.02%). This variant has not been reported in the literature in individuals affected with SATB2-related conditions. ClinVar contains an entry for this variant (Variation ID: 1023416). Advanced modeling of protein sequence and biophysical properties (such as structural, functional, and spatial information, amino acid conservation, physicochemical variation, residue mobility, and thermodynamic stability) performed at Invitae indicates that this missense variant is not expected to disrupt SATB2 protein function. In summary, the available evidence is currently insufficient to determine the role of this variant in disease. Therefore, it has been classified as a Variant of Uncertain Significance.